The following is an entry in ClinVar:

ClinVar aggregate classification (germline): Uncertain significance (1 of 4 stars; one submission).

Conditions:
Neurofibromatosis, type 1 (NF1). Also called: VON RECKLINGHAUSEN DISEASE; Peripheral type neurofibromatosis; Neurofibromatosis, type I; NEUROFIBROMATOSIS, TYPE I, SOMATIC. Identifiers: Orphanet 636, MedGen C0027831, MONDO:0018975, OMIM 162200. Disease mechanism: loss of function.

Submission:

Labcorp Genetics (formerly Invitae), Labcorp
Classification: Uncertain significance for Neurofibromatosis, type 1. Last evaluated: 2021-04-23. Review status: criteria provided, single submitter. Criteria: Invitae Variant Classification Sherloc (09022015). Collection method: clinical testing. Allele origin: germline.
Comment: In summary, the available evidence is currently insufficient to determine the role of this variant in disease. Therefore, it has been classified as a Variant of Uncertain Significance. Algorithms developed to predict the effect of sequence changes on RNA splicing suggest that this variant may create or strengthen a splice site, but this prediction has not been confirmed by published transcriptional studies. This variant is not present in population databases (ExAC no frequency). This variant has not been reported in the literature in individuals with NF1-related conditions. This variant, c.1017_1061dup, results in the insertion of 15 amino acid(s) to the NF1 protein (p.Asn339_Leu353dup), but otherwise preserves the integrity of the reading frame.

NM_001042492.3(NF1):c.1017_1061dup (p.Leu353_Lys354insAsnSerValIlePheLeuLeuValGlnSerMetValValAspLeu)

Gene: NF1 (neurofibromin 1; plus strand). Cytogenetic location: 17q11.2.
Variant type: Duplication.
Coding change: c.1017_1061dup on transcript NM_001042492.3 (MANE Select); coding-DNA positions 1017 to 1061, 45 bases duplicated.
Protein change: p.Leu353_Lys354insAsnSerValIlePheLeuLeuValGlnSerMetValValAspLeu.
Molecular consequence: inframe insertion. On other transcripts: inframe indel (1).
Genome position (GRCh38, 1-based): chr17:31,200,550-31,200,594, 45 bases duplicated; duplicating any 45 consecutive bases within chr17:31,200,547-31,200,594 gives the same sequence; the c. name uses the placement nearest the transcript's 3' end. GRCh37 (hg19): chr17:29,527,568-29,527,612.
Other names: c.1017_1061dup, p.Leu353_Lys354insAsnSerValIlePheLeuLeuValGlnSerMetValValAspLeu (NM_000267.4, NM_001128147.3).
Identifiers: ClinVar variation 1348670 (VCV001348670.8), dbSNP rs2143873915, ClinGen allele CA2573153532.
Genomic context (GRCh38, chr17:31,200,546, plus strand): 5'-AAAGTGCTGCAATTGCCTGTGTCAAACTGTGTAAAGCAAGTACTTACATCAATTGGGAAG[A>ATAACTCTGTCATTTTCCTACTTGTTCAGTCCATGGTGGTTGATCT]TAACTCTGTCATTTTCCTACTTGTTCAGTCCATGGTGGTTGATCTTAAGGTAACATGCTT-3'